The following is an entry in ClinVar:

NM_000400.4(ERCC2):c.1132C>T (p.Arg378Cys)

Gene: ERCC2 (ERCC excision repair 2, TFIIH core complex helicase subunit; minus strand). Cytogenetic location: 19q13.32.
Variant type: single nucleotide variant.
Coding change: c.1132C>T on transcript NM_000400.4 (MANE Select); coding-DNA position 1132, C replaced by T.
Protein change: p.Arg378Cys; replaces arginine 378 with cysteine.
Molecular consequence: missense variant.
Genome position (GRCh38, 1-based): chr19:45,361,629, G>A on the plus strand (C>T on the coding strand, the complement: ERCC2 is on the minus strand). VCF-style: chr19-45361629-G-A. GRCh37 (hg19) VCF-style: chr19-45864887-G-A.
Other names: c.1060C>T, p.Arg354Cys (NM_001130867.2); short protein forms R354C, R378C.
Identifiers: ClinVar variation 2175981 (VCV002175981.2), dbSNP rs186220206, ClinGen allele CA9513494.
Genomic context (GRCh38, chr19:45,361,629, plus strand): 5'-TGAGCGGGGAGAAGTCAGCAAGGTCGGTGATCTCCAGAGTATGCAGCAGGGACCGGAGGC[G>A]TTCAGCACAGAATCTGGCGGGGAGGAGAGACGGGGTCGGGGGGCAGACGGAAGCATGAGC-3'
Protein context (NP_000391.1, residues 368-388): QRKPLRFCAE[Arg378Cys]LRSLLHTLEI

ClinVar aggregate classification (germline): Conflicting classifications of pathogenicity. Review status: criteria provided, conflicting classifications (1 of 4 stars). 3 submissions from 3 submitters: Likely pathogenic (1); Uncertain significance (2). Last evaluated 2022-09-01.

Conditions:
Xeroderma pigmentosum, group D (XPD). Also called: XERODERMA PIGMENTOSUM IV; XP, GROUP D; XP, GROUP H; XERODERMA PIGMENTOSUM, COMPLEMENTATION GROUP D; ERCC2-Related Xeroderma Pigmentosum. Identifiers: MedGen C0268138, MONDO:0010212, OMIM 278730.
Inborn genetic diseases. Identifiers: MedGen C0950123, MeSH D030342.

Allele frequency attached by ClinVar (database versions not stated): ExAC 0.00001; gnomAD 0.00002; 1000 Genomes Project 0.00020; 1000 Genomes Project 30x 0.00031.
gnomAD v4.1: 17 of 1,613,380 alleles (0.0011%); highest among the groups gnomAD compares: African/African-American, 0.0053%; no homozygotes.

Submissions (3):

Labcorp Genetics (formerly Invitae), Labcorp
Classification: Uncertain significance. Last evaluated: 2022-09-01. Review status: criteria provided, single submitter. Criteria: Invitae Variant Classification Sherloc (09022015). Collection method: clinical testing. Allele origin: germline.
Comment: This sequence change replaces arginine, which is basic and polar, with cysteine, which is neutral and slightly polar, at codon 378 of the ERCC2 protein (p.Arg378Cys). This variant is present in population databases (rs186220206, gnomAD 0.006%). This variant has not been reported in the literature in individuals affected with ERCC2-related conditions. Algorithms developed to predict the effect of missense changes on protein structure and function are either unavailable or do not agree on the potential impact of this missense change (SIFT: "Deleterious"; PolyPhen-2: "Probably Damaging"; Align-GVGD: "Class C0"). In summary, the available evidence is currently insufficient to determine the role of this variant in disease. Therefore, it has been classified as a Variant of Uncertain Significance.

Ambry Genetics
Classification: Uncertain significance for Inborn genetic diseases. Last evaluated: 2022-01-13. Review status: criteria provided, single submitter. Criteria: Ambry Variant Classification Scheme 2023. Collection method: clinical testing. Allele origin: germline.

Hadassah Hebrew University Medical Center
Classification: Likely pathogenic for Xeroderma pigmentosum, group D. Review status: criteria provided, single submitter. Criteria: ACMG Guidelines, 2015. Collection method: clinical testing. Allele origin: germline. Inheritance: Autosomal recessive inheritance. Affected: yes.